The following is an entry in ClinVar:

ClinVar aggregate classification (germline): Uncertain significance (1 of 4 stars; one submission).

Submission:

Labcorp Genetics (formerly Invitae), Labcorp
Classification: Uncertain significance. Last evaluated: 2025-11-25. Review status: criteria provided, single submitter. Criteria: Invitae Variant Classification Sherloc (09022015). Collection method: clinical testing. Allele origin: germline.
Comment: This sequence change replaces proline, which is neutral and non-polar, with serine, which is neutral and polar, at codon 261 of the IRF2BP2 protein (p.Pro261Ser). This variant is not present in population databases (gnomAD no frequency). This variant has not been reported in the literature in individuals affected with IRF2BP2-related conditions. An algorithm developed to predict the effect of missense changes on protein structure and function (PolyPhen-2) suggests that this variant is likely to be tolerated. In summary, the available evidence is currently insufficient to determine the role of this variant in disease. Therefore, it has been classified as a Variant of Uncertain Significance.

NM_182972.3(IRF2BP2):c.781C>T (p.Pro261Ser)

Gene: IRF2BP2 (interferon regulatory factor 2 binding protein 2; minus strand). Cytogenetic location: 1q42.3.
Variant type: single nucleotide variant.
Coding change: c.781C>T on transcript NM_182972.3 (MANE Select); coding-DNA position 781, C replaced by T.
Protein change: p.Pro261Ser; replaces proline 261 with serine.
Molecular consequence: missense variant.
Genome position (GRCh38, 1-based): chr1:234,608,714, G>A on the plus strand (C>T on the coding strand, the complement: IRF2BP2 is on the minus strand). VCF-style: chr1-234608714-G-A. GRCh37 (hg19) VCF-style: chr1-234744460-G-A.
Other names: c.781C>T, p.Pro261Ser (NM_001077397.1); short protein forms P261S.
Identifiers: ClinVar variation 4811864 (VCV004811864.1).
Genomic context (GRCh38, chr1:234,608,714, plus strand): 5'-CGGCGGCCCCGGCCGCGGTGGACAGGCTGTCGGCCGGGCCCCGGTGCGCAGGCGGCGGCG[G>A]TTGTTTCTCCTTGGCTGCCGCCTCACGCTGCTCGTGCTCCACGGCAGCGCTGCTCGACAC-3'
Protein context (NP_892017.2, residues 251-271): QREAAAKEKQ[Pro261Ser]PPPAHRGPAD